The following is an entry in ClinVar:

ClinVar aggregate classification (germline): Uncertain significance (1 of 4 stars; one submission).

Submission:

Ambry Genetics
Classification: Uncertain significance. Last evaluated: 2024-06-25. Review status: criteria provided, single submitter. Criteria: Ambry Variant Classification Scheme 2023. Collection method: clinical testing. Allele origin: germline.
Comment: The p.S1289Y variant (also known as c.3866C>A), located in coding exon 16 of the POLQ gene, results from a C to A substitution at nucleotide position 3866. The serine at codon 1289 is replaced by tyrosine, an amino acid with dissimilar properties. This amino acid position is conserved. In addition, this alteration is predicted to be tolerated by in silico analysis. Since supporting evidence is limited at this time, the clinical significance of this alteration remains unclear.

NM_199420.4(POLQ):c.3866C>A (p.Ser1289Tyr)

Gene: POLQ (DNA polymerase theta; minus strand). Cytogenetic location: 3q13.33.
Variant type: single nucleotide variant.
Coding change: c.3866C>A on transcript NM_199420.4 (MANE Select); coding-DNA position 3866, C replaced by A.
Protein change: p.Ser1289Tyr; replaces serine 1289 with tyrosine.
Molecular consequence: missense variant.
Genome position (GRCh38, 1-based): chr3:121,489,065, G>T on the plus strand (C>A on the coding strand, the complement: POLQ is on the minus strand). VCF-style: chr3-121489065-G-T. GRCh37 (hg19) VCF-style: chr3-121207912-G-T.
Other names: short protein forms S1289Y.
Identifiers: ClinVar variation 1735641 (VCV001735641.3), dbSNP rs1237042966, ClinGen allele CA354096830.